The following is an entry in ClinVar:

ClinVar aggregate classification (germline): Uncertain significance (1 of 4 stars; one submission).

Conditions:
Treacher Collins syndrome 1 (TCS1). Also called: TCOF1-Related Treacher Collins Syndrome. Identifiers: Orphanet 861, MedGen CN315775, MONDO:0007944, OMIM 154500.

gnomAD v4.1: 1 of 1,613,992 alleles (0.000062%); highest among the groups gnomAD compares: Non-Finnish European, 0.000085%; no homozygotes.

Submission:

Labcorp Genetics (formerly Invitae), Labcorp
Classification: Uncertain significance for Treacher Collins syndrome 1. Last evaluated: 2024-11-08. Review status: criteria provided, single submitter. Criteria: Invitae Variant Classification Sherloc (09022015). Collection method: clinical testing. Allele origin: germline.
Comment: This sequence change replaces arginine, which is basic and polar, with glycine, which is neutral and non-polar, at codon 1327 of the TCOF1 protein (p.Arg1327Gly). This variant is present in population databases (no rsID available, gnomAD 0.0009%). This variant has not been reported in the literature in individuals affected with TCOF1-related conditions. This missense change has been observed in at least one individual who was not affected with TCOF1-related conditions (internal data). An algorithm developed to predict the effect of missense changes on protein structure and function (PolyPhen-2) suggests that this variant is likely to be tolerated. In summary, the available evidence is currently insufficient to determine the role of this variant in disease. Therefore, it has been classified as a Variant of Uncertain Significance.

NM_001371623.1(TCOF1):c.3982A>G (p.Arg1328Gly)

Gene: TCOF1 (treacle ribosome biogenesis factor 1; plus strand). Cytogenetic location: 5q32.
Variant type: single nucleotide variant.
Coding change: c.3982A>G on transcript NM_001371623.1 (MANE Select); coding-DNA position 3982, A replaced by G.
Protein change: p.Arg1328Gly; replaces arginine 1328 with glycine.
Molecular consequence: missense variant.
Genome position (GRCh38, 1-based): chr5:150,396,479, A>G. VCF-style: chr5-150396479-A-G. GRCh37 (hg19) VCF-style: chr5-149776042-A-G.
Other names: c.3748A>G, p.Arg1250Gly (NM_000356.4); c.3979A>G, p.Arg1327Gly (NM_001135243.2); c.3868A>G, p.Arg1290Gly (NM_001135244.2); c.3751A>G, p.Arg1251Gly (NM_001135245.2); c.3865A>G, p.Arg1289Gly (NM_001195141.2); short protein forms R1290G, R1328G, R1250G, R1251G, R1327G, R1289G.
Identifiers: ClinVar variation 3723565 (VCV003723565.2).